The following is an entry in ClinVar:

ClinVar aggregate classification (germline): not provided (0 of 4 stars; one submission).

Conditions:
Familial long QT syndrome (RWS). Also called: Congenital long QT syndrome; Romano-Ward syndrome; VENTRICULAR FIBRILLATION WITH PROLONGED QT INTERVAL. Identifiers: Orphanet 768, MedGen C1141890, MONDO:0019171.

Submission:

Cardiovascular Biomedical Research Unit, Royal Brompton & Harefield NHS Foundation Trust
No classification provided. Condition: Familial long QT syndrome. Review status: no classification provided. Collection method: literature only. Allele origin: germline.
Comment: This variant has been reported as associated with Long QT syndrome in the following publications (PMID:19716085;PMID:19841300). This is a literature report, and does not necessarily reflect the clinical interpretation of the Imperial College / Royal Brompton Cardiovascular Genetics laboratory.

Literature cited by the submitters: PubMed 19716085; PubMed 19841300; PubMed 22581653.

NM_000238.4(KCNH2):c.1905C>G (p.Asn635Lys)

Gene: KCNH2 (potassium voltage-gated channel subfamily H member 2; minus strand). Cytogenetic location: 7q36.1.
Variant type: single nucleotide variant.
Coding change: c.1905C>G on transcript NM_000238.4 (MANE Select); coding-DNA position 1905, C replaced by G.
Protein change: p.Asn635Lys; replaces asparagine 635 with lysine.
Molecular consequence: missense variant.
Genome position (GRCh38, 1-based): chr7:150,951,488, G>C on the plus strand (C>G on the coding strand, the complement: KCNH2 is on the minus strand). VCF-style: chr7-150951488-G-C. GRCh37 (hg19) VCF-style: chr7-150648576-G-C.
Other names: c.1905C>G (LRG_288t1); c.885C>G, p.Asn295Lys (NM_001204798.2, NM_172057.3); c.1617C>G, p.Asn539Lys (NM_001406753.1, NM_001406756.1); c.1728C>G, p.Asn576Lys (NM_001406755.1); c.1605C>G, p.Asn535Lys (NM_001406757.1); c.1905C>G, p.Asn635Lys (NM_172056.3); short protein forms N295K, N635K, N576K, N535K, N539K.
Identifiers: ClinVar variation 67328 (VCV000067328.3), dbSNP rs199472965, ClinGen allele CA005948.